The following is an entry in ClinVar:

ClinVar aggregate classification (germline): Uncertain significance (1 of 4 stars; one submission).

Conditions:
Cohen syndrome (COH1). Also called: PEPPER SYNDROME; Cutis verticis gyrata, retinitis pigmentosa, and sensorineural deafness. Identifiers: Orphanet 193, MedGen C0265223, MONDO:0008999, OMIM 216550.

Allele frequency attached by ClinVar (database versions not stated): gnomAD exomes below 0.00001; TOPMed below 0.00001; ExAC 0.00001.
gnomAD v4.1: 1 of 1,613,628 alleles (0.000062%); highest among the groups gnomAD compares: Admixed American, 0.0017%; no homozygotes.

Submission:

Labcorp Genetics (formerly Invitae), Labcorp
Classification: Uncertain significance for Cohen syndrome. Last evaluated: 2022-02-21. Review status: criteria provided, single submitter. Criteria: Invitae Variant Classification Sherloc (09022015). Collection method: clinical testing. Allele origin: germline.
Comment: This sequence change replaces glutamine, which is neutral and polar, with lysine, which is basic and polar, at codon 799 of the VPS13B protein (p.Gln799Lys). This variant is present in population databases (rs746417103, gnomAD 0.003%). This variant has not been reported in the literature in individuals affected with VPS13B-related conditions. Algorithms developed to predict the effect of missense changes on protein structure and function are either unavailable or do not agree on the potential impact of this missense change (SIFT: "Not Available"; PolyPhen-2: "Possibly Damaging"; Align-GVGD: "Not Available"). In summary, the available evidence is currently insufficient to determine the role of this variant in disease. Therefore, it has been classified as a Variant of Uncertain Significance.

NM_152564.5(VPS13B):c.2395C>A (p.Gln799Lys)

Gene: VPS13B (vacuolar protein sorting 13 homolog B; plus strand). Cytogenetic location: 8q22.2.
Variant type: single nucleotide variant.
Coding change: c.2395C>A on transcript NM_152564.5 (MANE Select); coding-DNA position 2395, C replaced by A.
Protein change: p.Gln799Lys; replaces glutamine 799 with lysine.
Molecular consequence: missense variant.
Genome position (GRCh38, 1-based): chr8:99,192,937, C>A. VCF-style: chr8-99192937-C-A. GRCh37 (hg19) VCF-style: chr8-100205165-C-A.
Other names: c.2395C>A, p.Gln799Lys (NM_015243.3, NM_017890.5); short protein forms Q799K.
Identifiers: ClinVar variation 2181792 (VCV002181792.1), dbSNP rs746417103, ClinGen allele CA4822901.